The following is an entry in ClinVar:

ClinVar aggregate classification (germline): Conflicting classifications of pathogenicity. Review status: criteria provided, conflicting classifications (1 of 4 stars). 7 submissions from 7 submitters: Uncertain significance (4); Likely benign (3). Last evaluated 2026-04-22.

Conditions:
TTN-related disorder. Also called: TTN-related disorders; TTN-related condition; TTN-related disease.
Tibial muscular dystrophy (TMD). Also called: UDD MYOPATHY; Tibial muscular dystrophy, tardive; Udd Distal Myopathy – Tibial Muscular Dystrophy. Identifiers: Orphanet 609, MedGen C1838244, MONDO:0010870, OMIM 600334.
Early-onset myopathy with fatal cardiomyopathy (CMYO5). Also called: Salih Myopathy; CONGENITAL MYOPATHY 5 WITH CARDIOMYOPATHY. Identifiers: Orphanet 289377, MedGen C2673677, MONDO:0012714, OMIM 611705. Disease mechanism: loss of function.
Autosomal recessive limb-girdle muscular dystrophy type 2J (LGMDR10). Also called: Limb-girdle muscular dystrophy, type 2J; MUSCULAR DYSTROPHY, LIMB-GIRDLE, AUTOSOMAL RECESSIVE 10. Identifiers: Orphanet 140922, MedGen C1837342, MONDO:0012127, OMIM 608807.
Myopathy, myofibrillar, 9, with early respiratory failure (MFM9). Also called: Hereditary myopathy with early respiratory failure; Myopathy, distal, with early respiratory failure, autosomal dominant; MYOPATHY, PROXIMAL, WITH EARLY RESPIRATORY MUSCLE INVOLVEMENT; EDSTROM MYOPATHY. Identifiers: Orphanet 178464, Orphanet 34521, MedGen C1863599, MONDO:0011362, OMIM 603689.
Dilated cardiomyopathy 1G (CMD1G). Identifiers: Orphanet 154, MedGen C1858763, MONDO:0011400, OMIM 604145.
Hypertrophic cardiomyopathy 9. Also called: Familial hypertrophic cardiomyopathy 9. Identifiers: MedGen C1861065, MONDO:0013412, OMIM 613765.

Allele frequency attached by ClinVar (database versions not stated): gnomAD 0.00005 and 0.00006; TOPMed 0.00008.
gnomAD v4.1: 41 of 1,613,346 alleles (0.0025%); highest among the groups gnomAD compares: Admixed American, 0.035%; no homozygotes.

Submissions (7):

PreventionGenetics, part of Exact Sciences
Classification: Uncertain significance for TTN-related condition. Last evaluated: 2026-04-22. Review status: criteria provided, single submitter. Criteria: ACMG Guidelines, 2015. Collection method: clinical testing. Allele origin: germline.
Comment: The TTN c.22666C>T variant is predicted to result in the amino acid substitution p.Arg7556Cys. To our knowledge, this variant has not been reported in the literature. This variant is reported in 0.048% of alleles in individuals of Latino descent in gnomAD. At this time, the clinical significance of this variant is uncertain due to the absence of conclusive functional and genetic evidence.

CeGaT Center for Human Genetics Tuebingen
Classification: Uncertain significance. Last evaluated: 2026-02-01. Review status: criteria provided, single submitter. Criteria: CeGaT Center For Human Genetics Tuebingen Variant Classification Criteria Version 2. Collection method: clinical testing. Allele origin: germline. Affected: yes. Observed: 1 variant allele.

Labcorp Genetics (formerly Invitae), Labcorp
Classification: Likely benign for Dilated cardiomyopathy 1G; Autosomal recessive limb-girdle muscular dystrophy type 2J. Last evaluated: 2026-01-14. Review status: criteria provided, single submitter. Criteria: Invitae Variant Classification Sherloc (09022015). Collection method: clinical testing. Allele origin: germline.

Revvity Omics, Revvity
Classification: Uncertain significance. Last evaluated: 2024-10-30. Review status: criteria provided, single submitter. Criteria: ACMG Guidelines, 2015. Collection method: clinical testing. Allele origin: germline.

Women's Health and Genetics/Laboratory Corporation of America, LabCorp
Classification: Uncertain significance. Last evaluated: 2023-08-19. Review status: criteria provided, single submitter. Criteria: LabCorp Variant Classification Summary - May 2015. Collection method: clinical testing. Allele origin: germline.

Fulgent Genetics
Classification: Likely benign for Tibial muscular dystrophy; Myopathy, myofibrillar, 9, with early respiratory failure; Dilated cardiomyopathy 1G; Autosomal recessive limb-girdle muscular dystrophy type 2J; Early-onset myopathy with fatal cardiomyopathy; Hypertrophic cardiomyopathy 9. Last evaluated: 2021-08-12. Review status: criteria provided, single submitter. Criteria: ACMG Guidelines, 2015. Collection method: clinical testing. Allele origin: unknown.

GeneDx
Classification: Likely benign. Last evaluated: 2021-01-11. Review status: criteria provided, single submitter. Criteria: GeneDx Variant Classification Process June 2021. Collection method: clinical testing. Allele origin: germline. Affected: yes.

NM_001267550.2(TTN):c.22666C>T (p.Arg7556Cys)

Gene: TTN (titin; minus strand). Cytogenetic location: 2q31.2.
Variant type: single nucleotide variant.
Coding change: c.22666C>T on transcript NM_001267550.2 (MANE Select); coding-DNA position 22666, C replaced by T.
Protein change: p.Arg7556Cys; replaces arginine 7556 with cysteine.
Molecular consequence: missense variant. On other transcripts: intron variant (3).
Genome position (GRCh38, 1-based): chr2:178,721,997, G>A on the plus strand (C>T on the coding strand, the complement: TTN is on the minus strand). VCF-style: chr2-178721997-G-A. GRCh37 (hg19) VCF-style: chr2-179586724-G-A.
Other names: c.21715C>T, p.Arg7239Cys (NM_001256850.1); c.18934C>T, p.Arg6312Cys (NM_133378.4); c.13282+16085C>T (NM_003319.4); c.13858+16085C>T (NM_133437.4); c.13657+16085C>T (NM_133432.3); short protein forms R7556C, R6312C, R7239C.
Identifiers: ClinVar variation 699276 (VCV000699276.23), dbSNP rs754885396, ClinGen allele CA2000790.